The following is an entry in ClinVar:

ClinVar aggregate classification (germline): Uncertain significance (1 of 4 stars; one submission).

gnomAD v4.1: 8 of 1,614,162 alleles (0.0005%); highest among the groups gnomAD compares: South Asian, 0.0077%; no homozygotes.

Submission:

Women's Health and Genetics/Laboratory Corporation of America, LabCorp
Classification: Uncertain significance. Last evaluated: 2026-03-24. Review status: criteria provided, single submitter. Criteria: LabCorp Variant Classification Summary - May 2015. Collection method: clinical testing. Allele origin: germline.
Comment: Variant summary: ABCC8 c.1785T>A (p.Ser595Arg) results in a non-conservative amino acid change in the encoded protein sequence. Algorithms developed to predict the effect of missense changes on protein structure and function are either unavailable or do not agree on the potential impact of this missense change. The variant allele was found at a frequency of 1.2e-05 in 251448 control chromosomes. The available data on variant occurrences in the general population are insufficient to allow any conclusion about variant significance. c.1785T>A has been observed in an individual affected with poor feeding and reduced activity (Ganapathy_2019). This report does not provide unequivocal conclusions about association of the variant with ABCC8-related conditions. To our knowledge, no experimental evidence demonstrating an impact on protein function has been reported. The following publication has been ascertained in the context of this evaluation (PMID: 31069529). No submitters have cited clinical-significance assessments for this variant to ClinVar. Based on the evidence outlined above, the variant was classified as uncertain significance.

Literature cited by the submitters: PubMed 31069529.

NM_000352.6(ABCC8):c.1785T>A (p.Ser595Arg)

Gene: ABCC8 (ATP binding cassette subfamily C member 8; minus strand). Cytogenetic location: 11p15.1.
Variant type: single nucleotide variant.
Coding change: c.1785T>A on transcript NM_000352.6 (MANE Select); coding-DNA position 1785, T replaced by A.
Protein change: p.Ser595Arg; replaces serine 595 with arginine.
Molecular consequence: missense variant. On other transcripts: non-coding transcript variant (1).
Genome position (GRCh38, 1-based): chr11:17,430,846, A>T on the plus strand (T>A on the coding strand, the complement: ABCC8 is on the minus strand). VCF-style: chr11-17430846-A-T. GRCh37 (hg19) VCF-style: chr11-17452393-A-T.
Other names: c.1785T>A, p.Ser595Arg (NM_001287174.3, NM_001351295.2); c.1782T>A, p.Ser594Arg (NM_001351296.2, NM_001351297.2); short protein forms S594R, S595R.
Identifiers: ClinVar variation 4847725 (VCV004847725.1).